The following is an entry in ClinVar:

ClinVar aggregate classification (germline): Uncertain significance (1 of 4 stars; one submission).

Conditions:
Hereditary cancer-predisposing syndrome. Also called: Tumor predisposition; Hereditary neoplastic syndrome; Hereditary Cancer Syndrome; Neoplastic Syndromes, Hereditary. Identifiers: Orphanet 140162, MedGen C0027672, MeSH D009386, MONDO:0015356.

Submission:

Ambry Genetics
Classification: Uncertain significance for Hereditary cancer-predisposing syndrome. Last evaluated: 2025-04-10. Review status: criteria provided, single submitter. Criteria: Ambry Variant Classification Scheme 2023. Collection method: clinical testing. Allele origin: germline.
Comment: The c.2026+3G>C intronic variant results from a G to C substitution 3 nucleotides after coding exon 18 in the POLE gene. This nucleotide position is not well conserved in available vertebrate species. In silico splice site analysis predicts that this alteration may weaken the native splice donor site and will result in the creation or strengthening of a novel splice donor site. Based on the available evidence, the clinical significance of this variant remains unclear.

NM_006231.4(POLE):c.2026+3G>C

Gene: POLE (DNA polymerase epsilon, catalytic subunit; minus strand). Cytogenetic location: 12q24.33.
Variant type: single nucleotide variant.
Coding change: c.2026+3G>C on transcript NM_006231.4 (MANE Select); 3 bases into the intron after coding-DNA position 2026, G replaced by C.
Molecular consequence: intron variant.
Genome position (GRCh38, 1-based): chr12:132,668,632, C>G on the plus strand (G>C on the coding strand, the complement: POLE is on the minus strand). VCF-style: chr12-132668632-C-G. GRCh37 (hg19) VCF-style: chr12-133245218-C-G.
Identifiers: ClinVar variation 3935724 (VCV003935724.1).